The following is an entry in ClinVar:

ClinVar aggregate classification (germline): Benign/Likely benign. Review status: criteria provided, multiple submitters, no conflicts (2 of 4 stars). 5 submissions from 5 submitters: Benign (4); Likely benign (1). Last evaluated 2025-12-22.

Allele frequency attached by ClinVar (database versions not stated): gnomAD exomes 0.00028 and 0.00051; ExAC 0.00082; ESP Exome Variant Server 0.00197; gnomAD 0.00259 and 0.00286; TOPMed 0.00294; 1000 Genomes Project 0.00300; 1000 Genomes Project 30x 0.00359.
gnomAD v4.1: 831 of 1,609,188 alleles (0.052%); highest among the groups gnomAD compares: African/African-American, 0.96%; 4 homozygotes.

Submissions (5):

Labcorp Genetics (formerly Invitae), Labcorp
Classification: Benign. Last evaluated: 2025-12-22. Review status: criteria provided, single submitter. Criteria: Invitae Variant Classification Sherloc (09022015). Collection method: clinical testing. Allele origin: germline.

Blueprint Genetics
Classification: Likely benign. Last evaluated: 2024-10-23. Review status: criteria provided, single submitter. Criteria: ACMG Guidelines, 2015. Collection method: clinical testing. Allele origin: germline.

Athena Diagnostics
Classification: Benign. Last evaluated: 2019-02-22. Review status: criteria provided, single submitter. Criteria: Athena Diagnostics Criteria. Collection method: clinical testing. Allele origin: germline.

GeneDx
Classification: Benign. Last evaluated: 2019-02-11. Review status: criteria provided, single submitter. Criteria: GeneDx Variant Classification Process June 2021. Collection method: clinical testing. Allele origin: germline. Affected: yes.

Laboratory for Molecular Medicine, Mass General Brigham Personalized Medicine
Classification: Benign. Last evaluated: 2014-11-24. Review status: criteria provided, single submitter. Criteria: LMM Criteria. Collection method: clinical testing. Allele origin: germline. Observed: 3 variant alleles.
Comment: Tyr401Tyr in exon 6 of CEACAM16: This variant is not expected to have clinical s ignificance because it does not alter an amino acid residue and is not located w ithin the splice consensus sequence. It has been identified in 0.6% (24/4214) of African American chromosomes from a broad population by the NHLBI Exome Sequenc ing Project (dbSNP rs61744494).

NM_001039213.4(CEACAM16):c.1203C>T (p.Tyr401=)

Genes: CEACAM16 (CEA cell adhesion molecule 16, tectorial membrane component; plus strand), CEACAM16-AS1 (CEACAM16, CEACAM19 and PVR antisense RNA 1; minus strand). Cytogenetic location: 19q13.32.
Variant type: single nucleotide variant.
Coding change: c.1203C>T on transcript NM_001039213.4 (MANE Select); coding-DNA position 1203, C replaced by T.
Protein change: p.Tyr401=; no amino-acid change (tyrosine 401 retained).
Molecular consequence: synonymous variant.
Genome position (GRCh38, 1-based): chr19:44,708,123, C>T. VCF-style: chr19-44708123-C-T. GRCh37 (hg19) VCF-style: chr19-45211395-C-T.
Identifiers: ClinVar variation 504819 (VCV000504819.16), dbSNP rs61744494, ClinGen allele CA9503257.